The following is an entry in ClinVar:

NM_006231.4(POLE):c.3421A>T (p.Ile1141Phe)

Gene: POLE (DNA polymerase epsilon, catalytic subunit; minus strand). Cytogenetic location: 12q24.33.
Variant type: single nucleotide variant.
Coding change: c.3421A>T on transcript NM_006231.4 (MANE Select); coding-DNA position 3421, A replaced by T.
Protein change: p.Ile1141Phe; replaces isoleucine 1141 with phenylalanine.
Molecular consequence: missense variant.
Genome position (GRCh38, 1-based): chr12:132,657,387, T>A on the plus strand (A>T on the coding strand, the complement: POLE is on the minus strand). VCF-style: chr12-132657387-T-A. GRCh37 (hg19) VCF-style: chr12-133233973-T-A.
Other names: short protein forms I1141F.
Identifiers: ClinVar variation 4141187 (VCV004141187.1).

ClinVar aggregate classification (germline): Uncertain significance (1 of 4 stars; one submission).

Conditions:
Hereditary cancer-predisposing syndrome. Also called: Hereditary neoplastic syndrome; Neoplastic Syndromes, Hereditary; Tumor predisposition; Hereditary Cancer Syndrome. Identifiers: Orphanet 140162, MedGen C0027672, MeSH D009386, MONDO:0015356.

Submission:

Ambry Genetics
Classification: Uncertain significance for Hereditary cancer-predisposing syndrome. Last evaluated: 2025-08-01. Review status: criteria provided, single submitter. Criteria: Ambry Variant Classification Scheme 2023. Collection method: clinical testing. Allele origin: germline.
Comment: The p.I1141F variant (also known as c.3421A>T), located in coding exon 28 of the POLE gene, results from an A to T substitution at nucleotide position 3421. The isoleucine at codon 1141 is replaced by phenylalanine, an amino acid with highly similar properties. This amino acid position is conserved. In addition, the in silico prediction for this alteration is inconclusive. Based on the available evidence, the clinical significance of this variant remains unclear.